The following is an entry in ClinVar:

NM_000264.5(PTCH1):c.3595G>A (p.Glu1199Lys)

Gene: PTCH1 (patched 1; minus strand). Cytogenetic location: 9q22.32.
Variant type: single nucleotide variant.
Coding change: c.3595G>A on transcript NM_000264.5 (MANE Select); coding-DNA position 3595, G replaced by A.
Protein change: p.Glu1199Lys; replaces glutamic acid 1199 with lysine.
Molecular consequence: missense variant. On other transcripts: non-coding transcript variant (1).
Genome position (GRCh38, 1-based): chr9:95,449,278, C>T on the plus strand (G>A on the coding strand, the complement: PTCH1 is on the minus strand). VCF-style: chr9-95449278-C-T. GRCh37 (hg19) VCF-style: chr9-98211560-C-T.
Other names: c.3397G>A, p.Glu1133Lys (NM_001083602.3); c.3592G>A, p.Glu1198Lys (NM_001083603.3); c.3142G>A, p.Glu1048Lys (NM_001083604.3, NM_001083605.3, NM_001083606.3 and 1 more transcripts); c.3439G>A, p.Glu1147Lys (NM_001354918.2); short protein forms E1048K, E1133K, E1147K, E1198K, E1199K.
Identifiers: ClinVar variation 1718952 (VCV001718952.7), dbSNP rs2136601915, ClinGen allele CA374111330.

ClinVar aggregate classification (germline): Uncertain significance. Review status: criteria provided, multiple submitters, no conflicts (2 of 4 stars). 2 submissions from 2 submitters: Uncertain significance (2). Last evaluated 2025-09-08.

Conditions:
Gorlin syndrome. Also called: Nevoid Basal Cell Carcinoma Syndrome; Basal cell nevus syndrome. Identifiers: Orphanet 377, MedGen C0004779, MONDO:0007187.
Hereditary cancer-predisposing syndrome. Also called: Hereditary neoplastic syndrome; Tumor predisposition; Neoplastic Syndromes, Hereditary; Hereditary Cancer Syndrome. Identifiers: Orphanet 140162, MedGen C0027672, MeSH D009386, MONDO:0015356.

Submissions (2):

Labcorp Genetics (formerly Invitae), Labcorp
Classification: Uncertain significance for Gorlin syndrome. Last evaluated: 2025-09-08. Review status: criteria provided, single submitter. Criteria: Invitae Variant Classification Sherloc (09022015). Collection method: clinical testing. Allele origin: germline.
Comment: This sequence change replaces glutamic acid, which is acidic and polar, with lysine, which is basic and polar, at codon 1199 of the PTCH1 protein (p.Glu1199Lys). This variant is not present in population databases (gnomAD no frequency). This variant has not been reported in the literature in individuals affected with PTCH1-related conditions. ClinVar contains an entry for this variant (Variation ID: 1718952). Invitae Evidence Modeling of protein sequence and biophysical properties (such as structural, functional, and spatial information, amino acid conservation, physicochemical variation, residue mobility, and thermodynamic stability) indicates that this missense variant is not expected to disrupt PTCH1 protein function with a negative predictive value of 95%. In summary, the available evidence is currently insufficient to determine the role of this variant in disease. Therefore, it has been classified as a Variant of Uncertain Significance.

Ambry Genetics
Classification: Uncertain significance for Hereditary cancer-predisposing syndrome. Last evaluated: 2024-11-11. Review status: criteria provided, single submitter. Criteria: Ambry Variant Classification Scheme 2023. Collection method: clinical testing. Allele origin: germline.
Comment: The p.E1199K variant (also known as c.3595G>A), located in coding exon 22 of the PTCH1 gene, results from a G to A substitution at nucleotide position 3595. The glutamic acid at codon 1199 is replaced by lysine, an amino acid with similar properties. This amino acid position is conserved. In addition, this alteration is predicted to be deleterious by in silico analysis. Based on the available evidence, the clinical significance of this variant remains unclear.